The following is an entry in ClinVar:

NM_004006.3(DMD):c.8027+319T>G

Gene: DMD (dystrophin; minus strand). Cytogenetic location: Xp21.1.
Variant type: single nucleotide variant.
Coding change: c.8027+319T>G on transcript NM_004006.3 (MANE Select); 319 bases into the intron after coding-DNA position 8027, T replaced by G.
Molecular consequence: intron variant.
Genome position (GRCh38, 1-based): chrX:31,657,671, A>C on the plus strand (T>G on the coding strand, the complement: DMD is on the minus strand). VCF-style: chrX-31657671-A-C. GRCh37 (hg19) VCF-style: chrX-31675788-A-C.
Other names: c.8003+319T>G (NM_000109.4); c.4004+319T>G (NM_004011.4); c.3995+319T>G (NM_004012.4); c.647+319T>G (NM_004023.3, NM_004020.4, NM_004022.3 and 2 more transcripts); c.8015+319T>G (NM_004009.3); c.7658+319T>G (NM_004010.3).
Identifiers: ClinVar variation 681319 (VCV000681319.1), dbSNP rs144018094, ClinGen allele CA328460837.

ClinVar aggregate classification (germline): Likely benign (1 of 4 stars; one submission).

Allele frequency attached by ClinVar (database versions not stated): gnomAD 0.00936 and 0.01015; 1000 Genomes Project 0.01060; TOPMed 0.01081; 1000 Genomes Project 30x 0.01124.
gnomAD v4.1: 1,045 of 112,158 alleles (0.93%); highest among the groups gnomAD compares: African/African-American, 3.1%; 8 homozygotes.

Submission:

GeneDx
Classification: Likely benign. Last evaluated: 2018-06-16. Review status: criteria provided, single submitter. Criteria: GeneDx Variant Classification (06012015). Collection method: clinical testing. Allele origin: germline. Affected: yes.
Comment: This variant is considered likely benign or benign based on one or more of the following criteria: it is a conservative change, it occurs at a poorly conserved position in the protein, it is predicted to be benign by multiple in silico algorithms, and/or has population frequency not consistent with disease.